The following is an entry in ClinVar:

ClinVar aggregate classification (germline): Uncertain significance. Review status: criteria provided, multiple submitters, no conflicts (2 of 4 stars). 2 submissions from 2 submitters: Uncertain significance (2). Last evaluated 2025-03-28.

Conditions:
Methylcobalamin deficiency type cblG (HMAG). Also called: HOMOCYSTINURIA-MEGALOBLASTIC ANEMIA, cblG TYPE; HOMOCYSTINURIA-MEGALOBLASTIC ANEMIA, cblG COMPLEMENTATION TYPE; Functional methionine synthase deficiency type cblG; HOMOCYSTINURIA-MEGALOBLASTIC ANEMIA DUE TO DEFECT IN COBALAMIN METABOLISM, cblG COMPLEMENTATION TYPE. Identifiers: Orphanet 2170, Orphanet 622, MedGen C1855128, MONDO:0009609, OMIM 250940.
Inborn genetic diseases. Identifiers: MedGen C0950123, MeSH D030342.

Allele frequency attached by ClinVar (database versions not stated): gnomAD exomes 0.00001 and 0.00002; ExAC 0.00002; gnomAD 0.00007 and 0.00009; TOPMed 0.00011; 1000 Genomes Project 30x 0.00016; 1000 Genomes Project 0.00020.

Submissions (2):

Ambry Genetics
Classification: Uncertain significance for Inborn genetic diseases. Last evaluated: 2025-03-28. Review status: criteria provided, single submitter. Criteria: Ambry Variant Classification Scheme 2023. Collection method: clinical testing. Allele origin: germline.

Labcorp Genetics (formerly Invitae), Labcorp
Classification: Uncertain significance for Methylcobalamin deficiency type cblG. Last evaluated: 2022-06-30. Review status: criteria provided, single submitter. Criteria: Invitae Variant Classification Sherloc (09022015). Collection method: clinical testing. Allele origin: germline.
Comment: This sequence change replaces methionine, which is neutral and non-polar, with valine, which is neutral and non-polar, at codon 119 of the MTR protein (p.Met119Val). This variant is present in population databases (rs538707626, gnomAD 0.02%). This variant has not been reported in the literature in individuals affected with MTR-related conditions. ClinVar contains an entry for this variant (Variation ID: 1367180). Algorithms developed to predict the effect of missense changes on protein structure and function (SIFT, PolyPhen-2, Align-GVGD) all suggest that this variant is likely to be tolerated. Algorithms developed to predict the effect of sequence changes on RNA splicing suggest that this variant may create or strengthen a splice site. In summary, the available evidence is currently insufficient to determine the role of this variant in disease. Therefore, it has been classified as a Variant of Uncertain Significance.

NM_000254.3(MTR):c.355A>G (p.Met119Val)

Gene: MTR (5-methyltetrahydrofolate-homocysteine methyltransferase; plus strand). Cytogenetic location: 1q43.
Variant type: single nucleotide variant.
Coding change: c.355A>G on transcript NM_000254.3 (MANE Select); coding-DNA position 355, A replaced by G.
Protein change: p.Met119Val; replaces methionine 119 with valine.
Molecular consequence: missense variant. On other transcripts: 5 prime UTR variant (1).
Genome position (GRCh38, 1-based): chr1:236,808,719, A>G. VCF-style: chr1-236808719-A-G. GRCh37 (hg19) VCF-style: chr1-236972019-A-G.
Other names: c.355A>G (NM_000254.2); c.355A>G, p.Met119Val (NM_001291939.1); c.-754A>G (NM_001291940.2); short protein forms M119V.
Identifiers: ClinVar variation 1367180 (VCV001367180.6), dbSNP rs538707626, ClinGen allele CA1473715.